The following is an entry in ClinVar:

ClinVar aggregate classification (germline): Benign/Likely benign. Review status: criteria provided, multiple submitters, no conflicts (2 of 4 stars). 5 submissions from 5 submitters: Benign (1); Likely benign (4). Last evaluated 2026-04-01.

Conditions:
Ehlers-Danlos syndrome, classic type, 1 (EDSCL1). Also called: EDS I; Ehlers-Danlos syndrome, type 1; EHLERS-DANLOS SYNDROME, GRAVIS TYPE; EHLERS-DANLOS SYNDROME, SEVERE CLASSIC TYPE; Ehlers-Danlos Syndrome, Classic Type, COL5A1-Related. Identifiers: MedGen C0268335, MONDO:0019567, OMIM 130000.
Familial thoracic aortic aneurysm and aortic dissection (TAAD). Also called: Thoracic aortic aneurysms and dissections. Identifiers: Orphanet 91387, MedGen C4707243, MONDO:0019625.

Allele frequency attached by ClinVar (database versions not stated): gnomAD exomes 0.00002 and 0.00005; gnomAD 0.00004 and 0.00005; ExAC 0.00005; ESP Exome Variant Server 0.00008; TOPMed 0.00010; 1000 Genomes Project 30x 0.00016; 1000 Genomes Project 0.00020.
gnomAD v4.1: 39 of 1,614,124 alleles (0.0024%); highest among the groups gnomAD compares: Admixed American, 0.005%; no homozygotes.

Submissions (5):

CeGaT Center for Human Genetics Tuebingen
Classification: Likely benign. Last evaluated: 2026-04-01. Review status: criteria provided, single submitter. Criteria: CeGaT Center For Human Genetics Tuebingen Variant Classification Criteria Version 2. Collection method: clinical testing. Allele origin: germline. Affected: yes. Observed: 1 variant allele.
Comment: COL5A2: BP4, BP7

Labcorp Genetics (formerly Invitae), Labcorp
Classification: Likely benign for Ehlers-Danlos syndrome, classic type, 1. Last evaluated: 2025-12-01. Review status: criteria provided, single submitter. Criteria: Invitae Variant Classification Sherloc (09022015). Collection method: clinical testing. Allele origin: germline.

Women's Health and Genetics/Laboratory Corporation of America, LabCorp
Classification: Benign. Last evaluated: 2023-07-21. Review status: criteria provided, single submitter. Criteria: LabCorp Variant Classification Summary - May 2015. Collection method: clinical testing. Allele origin: germline.

Ambry Genetics
Classification: Likely benign for Familial thoracic aortic aneurysm and aortic dissection. Last evaluated: 2020-06-22. Review status: criteria provided, single submitter. Criteria: Ambry Variant Classification Scheme 2023. Collection method: clinical testing. Allele origin: germline.

GeneDx
Classification: Likely benign. Last evaluated: 2020-01-28. Review status: criteria provided, single submitter. Criteria: GeneDx Variant Classification Process June 2021. Collection method: clinical testing. Allele origin: germline. Affected: yes.

NM_000393.5(COL5A2):c.3588T>C (p.Ile1196=)

Gene: COL5A2 (collagen type V alpha 2 chain; minus strand). Cytogenetic location: 2q32.2.
Variant type: single nucleotide variant.
Coding change: c.3588T>C on transcript NM_000393.5 (MANE Select); coding-DNA position 3588, T replaced by C.
Protein change: p.Ile1196=; no amino-acid change (isoleucine 1196 retained).
Molecular consequence: synonymous variant.
Genome position (GRCh38, 1-based): chr2:189,041,631, A>G on the plus strand (T>C on the coding strand, the complement: COL5A2 is on the minus strand). VCF-style: chr2-189041631-A-G. GRCh37 (hg19) VCF-style: chr2-189906357-A-G.
Other names: c.3588T>C (NM_000393.4).
Identifiers: ClinVar variation 1210945 (VCV001210945.13), dbSNP rs201460445, ClinGen allele CA2021964.